The following is an entry in ClinVar:

NM_001429.4(EP300):c.7045C>G (p.Pro2349Ala)

Gene: EP300 (EP300 lysine acetyltransferase; plus strand). Cytogenetic location: 22q13.2.
Variant type: single nucleotide variant.
Coding change: c.7045C>G on transcript NM_001429.4 (MANE Select); coding-DNA position 7045, C replaced by G.
Protein change: p.Pro2349Ala; replaces proline 2349 with alanine.
Molecular consequence: missense variant.
Genome position (GRCh38, 1-based): chr22:41,178,756, C>G. VCF-style: chr22-41178756-C-G. GRCh37 (hg19) VCF-style: chr22-41574760-C-G.
Other names: c.6967C>G, p.Pro2323Ala (NM_001362843.2); short protein forms P2323A, P2349A.
Identifiers: ClinVar variation 4977578 (VCV004977578.1).
Genomic context (GRCh38, chr22:41,178,756, plus strand): 5'-CCAAGGATGCAGCCTCAGCCTTCTCCACACCACGTTTCCCCACAGACAAGTTCCCCACAT[C>G]CTGGACTGGTAGCTGCCCAGGCCAACCCCATGGAACAAGGGCATTTTGCCAGCCCGGACC-3'
Protein context (NP_001420.2, residues 2339-2359): HVSPQTSSPH[Pro2349Ala]GLVAAQANPM

ClinVar aggregate classification (germline): Uncertain significance (1 of 4 stars; one submission).

Conditions:
EP300-related disorder. Also called: EP300-related disorders; EP300-related condition.

gnomAD v4.1: 4 of 1,614,082 alleles (0.00025%); highest among the groups gnomAD compares: African/African-American, 0.0053%; no homozygotes.

Submission:

PreventionGenetics, part of Exact Sciences
Classification: Uncertain significance for EP300-related condition. Last evaluated: 2024-12-07. Review status: criteria provided, single submitter. Criteria: ACMG Guidelines, 2015. Collection method: clinical testing. Allele origin: germline.
Comment: The EP300 c.7045C>G variant is predicted to result in the amino acid substitution p.Pro2349Ala. To our knowledge, this variant has not been reported in the literature. This variant is reported in 0.011% of alleles in individuals of African descent in gnomAD. At this time, the clinical significance of this variant is uncertain due to the absence of conclusive functional and genetic evidence.